The following is an entry in ClinVar:

NM_005228.5(EGFR):c.1026T>G (p.Ile342Met)

Genes: EGFR (epidermal growth factor receptor; plus strand), LOC126860048 (P300/CBP strongly-dependent group 1 enhancer GRCh37_chr7:55223847-55225046; plus strand). Cytogenetic location: 7p11.2.
Variant type: single nucleotide variant.
Coding change: c.1026T>G on transcript NM_005228.5 (MANE Select); coding-DNA position 1026, T replaced by G.
Protein change: p.Ile342Met; replaces isoleucine 342 with methionine.
Molecular consequence: missense variant.
Genome position (GRCh38, 1-based): chr7:55,156,552, T>G. VCF-style: chr7-55156552-T-G. GRCh37 (hg19) VCF-style: chr7-55224245-T-G.
Other names: c.891T>G, p.Ile297Met (NM_001346897.2, NM_001346899.2); c.1026T>G, p.Ile342Met (NM_001346898.2, NM_201282.2, NM_201283.2 and 1 more transcripts); c.867T>G, p.Ile289Met (NM_001346900.2); c.225T>G, p.Ile75Met (NM_001346941.2); short protein forms I289M, I297M, I342M, I75M.
Identifiers: ClinVar variation 2758630 (VCV002758630.4), dbSNP rs2535528006, ClinGen allele CA367578226.

ClinVar aggregate classification (germline): Uncertain significance. Review status: criteria provided, multiple submitters, no conflicts (2 of 4 stars). 2 submissions from 2 submitters: Uncertain significance (2). Last evaluated 2025-12-05.

Conditions:
EGFR-related lung cancer (EGFR). Identifiers: MedGen CN130014.
Hereditary cancer-predisposing syndrome. Also called: Neoplastic Syndromes, Hereditary; Hereditary Cancer Syndrome; Hereditary neoplastic syndrome; Tumor predisposition. Identifiers: Orphanet 140162, MedGen C0027672, MeSH D009386, MONDO:0015356.

Allele frequency attached by ClinVar (database versions not stated): gnomAD exomes below 0.00001.
gnomAD v4.1: 5 of 1,614,262 alleles (0.00031%); highest among the groups gnomAD compares: Non-Finnish European, 0.00042%; no homozygotes.

Submissions (2):

Ambry Genetics
Classification: Uncertain significance for Hereditary cancer-predisposing syndrome. Last evaluated: 2025-12-05. Review status: criteria provided, single submitter. Criteria: Ambry Variant Classification Scheme 2023. Collection method: clinical testing. Allele origin: germline.
Comment: The p.I342M variant (also known as c.1026T>G), located in coding exon 9 of the EGFR gene, results from a T to G substitution at nucleotide position 1026. The isoleucine at codon 342 is replaced by methionine, an amino acid with highly similar properties. This amino acid position is well conserved in available vertebrate species. In addition, this alteration is predicted to be tolerated by in silico analysis. Based on the available evidence, the clinical significance of this variant remains unclear.

Labcorp Genetics (formerly Invitae), Labcorp
Classification: Uncertain significance for EGFR-related lung cancer. Last evaluated: 2023-06-24. Review status: criteria provided, single submitter. Criteria: Invitae Variant Classification Sherloc (09022015). Collection method: clinical testing. Allele origin: germline.
Comment: This variant has not been reported in the literature in individuals affected with EGFR-related conditions. This variant is not present in population databases (gnomAD no frequency). This sequence change replaces isoleucine, which is neutral and non-polar, with methionine, which is neutral and non-polar, at codon 342 of the EGFR protein (p.Ile342Met). Advanced modeling of protein sequence and biophysical properties (such as structural, functional, and spatial information, amino acid conservation, physicochemical variation, residue mobility, and thermodynamic stability) performed at Invitae indicates that this missense variant is not expected to disrupt EGFR protein function. In summary, the available evidence is currently insufficient to determine the role of this variant in disease. Therefore, it has been classified as a Variant of Uncertain Significance.